The following is an entry in ClinVar:

ClinVar aggregate classification (germline): Uncertain significance (1 of 4 stars; one submission).

Allele frequency attached by ClinVar (database versions not stated): TOPMed 0.00001; gnomAD 0.00002 and 0.00004; gnomAD exomes 0.00004 and 0.00007; ExAC 0.00007.
gnomAD v4.1: 65 of 1,611,224 alleles (0.004%); highest among the groups gnomAD compares: South Asian, 0.036%; no homozygotes.

Submission:

Labcorp Genetics (formerly Invitae), Labcorp
Classification: Uncertain significance. Last evaluated: 2023-12-06. Review status: criteria provided, single submitter. Criteria: Invitae Variant Classification Sherloc (09022015). Collection method: clinical testing. Allele origin: germline.
Comment: This sequence change replaces glycine, which is neutral and non-polar, with serine, which is neutral and polar, at codon 40 of the SLC46A1 protein (p.Gly40Ser). This variant is present in population databases (rs782393176, gnomAD 0.04%). This variant has not been reported in the literature in individuals affected with SLC46A1-related conditions. ClinVar contains an entry for this variant (Variation ID: 1360371). Advanced modeling of protein sequence and biophysical properties (such as structural, functional, and spatial information, amino acid conservation, physicochemical variation, residue mobility, and thermodynamic stability) performed at Invitae indicates that this missense variant is not expected to disrupt SLC46A1 protein function with a negative predictive value of 80%. In summary, the available evidence is currently insufficient to determine the role of this variant in disease. Therefore, it has been classified as a Variant of Uncertain Significance.

NM_080669.6(SLC46A1):c.118G>A (p.Gly40Ser)

Gene: SLC46A1 (solute carrier family 46 member 1; minus strand). Cytogenetic location: 17q11.2.
Variant type: single nucleotide variant.
Coding change: c.118G>A on transcript NM_080669.6 (MANE Select); coding-DNA position 118, G replaced by A.
Protein change: p.Gly40Ser; replaces glycine 40 with serine.
Molecular consequence: missense variant.
Genome position (GRCh38, 1-based): chr17:28,405,997, C>T on the plus strand (G>A on the coding strand, the complement: SLC46A1 is on the minus strand). VCF-style: chr17-28405997-C-T. GRCh37 (hg19) VCF-style: chr17-26733015-C-T.
Other names: c.118G>A, p.Gly40Ser (NM_001242366.3); short protein forms G40S.
Identifiers: ClinVar variation 1360371 (VCV001360371.5), dbSNP rs782393176, ClinGen allele CA8458396.